The following is an entry in ClinVar:

ClinVar aggregate classification (germline): Conflicting classifications of pathogenicity. Review status: criteria provided, conflicting classifications (1 of 4 stars). 7 submissions from 7 submitters: Uncertain significance (1); Benign (1); Likely benign (5). Last evaluated 2026-01-31.

Conditions:
Classic or attenuated familial adenomatous polyposis. Identifiers: MedGen CN372698, MONDO:0021057.
Hereditary cancer-predisposing syndrome. Also called: Neoplastic Syndromes, Hereditary; Tumor predisposition; Hereditary Cancer Syndrome; Hereditary neoplastic syndrome. Identifiers: Orphanet 140162, MedGen C0027672, MeSH D009386, MONDO:0015356.
Familial adenomatous polyposis 1 (FAP1). Also called: FAMILIAL ADENOMATOUS POLYPOSIS 1, ATTENUATED; POLYPOSIS, ADENOMATOUS INTESTINAL. Identifiers: MedGen C2713442, MONDO:0021056, OMIM 175100. Disease mechanism: loss of function.

Allele frequency attached by ClinVar (database versions not stated): gnomAD exomes 0.00001 and 0.00002; ExAC 0.00002; gnomAD 0.00002 and 0.00003; TOPMed 0.00002.

Submissions (7):

Labcorp Genetics (formerly Invitae), Labcorp
Classification: Likely benign for Familial adenomatous polyposis 1. Last evaluated: 2026-01-31. Review status: criteria provided, single submitter. Criteria: Invitae Variant Classification Sherloc (09022015). Collection method: clinical testing. Allele origin: germline.

Quest Diagnostics Nichols Institute San Juan Capistrano
Classification: Uncertain significance. Last evaluated: 2025-07-08. Review status: criteria provided, single submitter. Criteria: Quest Diagnostics criteria. Collection method: clinical testing. Allele origin: unknown.
Comment: The APC c.8250G>A (p.Glu2750=) synonymous variant has not been reported in individuals with APC-related conditions in the published literature. The frequency of this variant in the general population (Genome Aggregation Database) is uninformative in the assessment of its pathogenicity. Analysis of this variant using software algorithms for the prediction of the effect of nucleotide changes on splicing yielded predictions that this variant does not affect APC mRNA splicing. Based on the available information, we are unable to determine the clinical significance of this variant.

Molecular Diagnostics Laboratory, Catalan Institute of Oncology
Classification: Likely benign for Hereditary cancer-predisposing syndrome. Last evaluated: 2025-06-03. Review status: criteria provided, single submitter. Criteria: ClinGen ACMG Specifications APC V1.0.0. Collection method: clinical testing. Allele origin: germline.
Comment: BP4, BP7 c.8250G>A, located in exon 16 of the APC gene, is predicted to result in no splicing alteration (according to SpliceAI) and no amino acid change, p.(Glu2750=) (BP4, BP7). The variant allele was found at a frequency of 3/267992 (0,0011%) alleles with a frequency of 0.0025% in the NFE population in the gnomAD v2.1.1 database, non-cancer dataset. To our knowledge, neither clinical data nor functional studies have been reported for this variant. It has been reported in ClinVar** (1x benign, 4x likely benign). Based on the currently available information, c.8250G>A is classified as a likely benign variant according to ClinGen-APC Guidelines version 1.

Myriad Genetics, Inc.
Classification: Benign for Familial adenomatous polyposis 1. Last evaluated: 2024-04-15. Review status: criteria provided, single submitter. Criteria: Myriad Autosomal Dominant, Autosomal Recessive and X-Linked Classification Criteria (2023). Collection method: clinical testing. Allele origin: unknown.
Comment: This variant is considered benign. This variant is a silent/synonymous amino acid change and it is not expected to impact splicing.

All of Us Research Program, National Institutes of Health
Classification: Likely benign for Classic or attenuated familial adenomatous polyposis. Last evaluated: 2023-12-07. Review status: criteria provided, single submitter. Criteria: ACMG Guidelines, 2015. Collection method: clinical testing. Allele origin: germline. Inheritance: Autosomal dominant inheritance. Observed: 5 variant alleles, 5 heterozygotes.
Comment: This study involves interpretation of variants in research participants for the purpose of population health screening. Participant phenotype was not available at the time of variant classification. Additional details can be found in publication PMID: 35346344, PMCID: PMC8962531

Color Diagnostics, LLC DBA Color Health
Classification: Likely benign for Hereditary cancer-predisposing syndrome. Last evaluated: 2016-03-18. Review status: criteria provided, single submitter. Criteria: ACMG Guidelines, 2015. Collection method: clinical testing. Allele origin: germline.

Ambry Genetics
Classification: Likely benign for Hereditary cancer-predisposing syndrome. Last evaluated: 2014-11-03. Review status: criteria provided, single submitter. Criteria: Ambry Variant Classification Scheme 2023. Collection method: clinical testing. Allele origin: germline.

NM_000038.6(APC):c.8250G>A (p.Glu2750=)

Gene: APC (APC regulator of Wnt signaling pathway; plus strand). Cytogenetic location: 5q22.2.
Variant type: single nucleotide variant.
Coding change: c.8250G>A on transcript NM_000038.6 (MANE Select); coding-DNA position 8250, G replaced by A.
Protein change: p.Glu2750=; no amino-acid change (glutamic acid 2750 retained).
Molecular consequence: synonymous variant.
Genome position (GRCh38, 1-based): chr5:112,843,844, G>A. VCF-style: chr5-112843844-G-A. GRCh37 (hg19) VCF-style: chr5-112179541-G-A.
Other names: c.8250G>A, p.Glu2750= (NM_001127510.3, NM_001354895.2); c.8196G>A, p.Glu2732= (NM_001127511.3); c.8304G>A, p.Glu2768= (NM_001354896.2); c.8280G>A, p.Glu2760= (NM_001354897.2); c.8175G>A, p.Glu2725= (NM_001354898.2); c.8166G>A, p.Glu2722= (NM_001354899.2); c.8127G>A, p.Glu2709= (NM_001354900.2); c.8073G>A, p.Glu2691= (NM_001354901.2); and 5 more.
Identifiers: ClinVar variation 186894 (VCV000186894.61), dbSNP rs767530768, ClinGen allele CA014481.